The following is an entry in ClinVar:

ClinVar aggregate classification (germline): Uncertain significance (1 of 4 stars; one submission).

Conditions:
Candidiasis, familial, 8 (CANDF8). Identifiers: Orphanet 1334, MedGen C3714992, MONDO:0014230, OMIM 615527.

Allele frequency attached by ClinVar (database versions not stated): gnomAD exomes below 0.00001.
gnomAD v4.1: 1 of 1,612,838 alleles (0.000062%); highest among the groups gnomAD compares: Non-Finnish European, 0.000085%; no homozygotes.

Submission:

Labcorp Genetics (formerly Invitae), Labcorp
Classification: Uncertain significance for Candidiasis, familial, 8. Last evaluated: 2022-08-19. Review status: criteria provided, single submitter. Criteria: Invitae Variant Classification Sherloc (09022015). Collection method: clinical testing. Allele origin: germline.
Comment: ClinVar contains an entry for this variant (Variation ID: 1346392). In summary, the available evidence is currently insufficient to determine the role of this variant in disease. Therefore, it has been classified as a Variant of Uncertain Significance. Algorithms developed to predict the effect of missense changes on protein structure and function are either unavailable or do not agree on the potential impact of this missense change (SIFT: "Tolerated"; PolyPhen-2: "Possibly Damaging"; Align-GVGD: "Class C0"). This variant has not been reported in the literature in individuals affected with TRAF3IP2-related conditions. This variant is not present in population databases (gnomAD no frequency). This sequence change replaces alanine, which is neutral and non-polar, with threonine, which is neutral and polar, at codon 376 of the TRAF3IP2 protein (p.Ala376Thr).

NM_147686.4(TRAF3IP2):c.1126G>A (p.Ala376Thr)

Genes: TRAF3IP2 (TRAF3 interacting protein 2; minus strand), TRAF3IP2-AS1 (TRAF3IP2 antisense RNA 1; plus strand). Cytogenetic location: 6q21.
Variant type: single nucleotide variant.
Coding change: c.1126G>A on transcript NM_147686.4 (MANE Select); coding-DNA position 1126, G replaced by A.
Protein change: p.Ala376Thr; replaces alanine 376 with threonine.
Molecular consequence: missense variant.
Genome position (GRCh38, 1-based): chr6:111,575,718, C>T on the plus strand (G>A on the coding strand, the complement: TRAF3IP2 is on the minus strand). VCF-style: chr6-111575718-C-T. GRCh37 (hg19) VCF-style: chr6-111896921-C-T.
Other names: c.1126G>A, p.Ala376Thr (NM_001164281.3); c.1153G>A, p.Ala385Thr (NM_147200.3); short protein forms A376T, A385T.
Identifiers: ClinVar variation 1346392 (VCV001346392.8), dbSNP rs2128375712, ClinGen allele CA365362586.